The following is an entry in ClinVar:

ClinVar aggregate classification (germline): Pathogenic/Likely pathogenic. Review status: criteria provided, multiple submitters, no conflicts (2 of 4 stars). 2 submissions from 2 submitters: Pathogenic (1); Likely pathogenic (1). Last evaluated 2026-06-01.

Conditions:
Mitochondrial complex I deficiency, nuclear type 5. Also called: Mitochondrial complex 1 deficiency, nuclear type 5. Identifiers: MedGen C4748754, MONDO:0032610, OMIM 618226.

gnomAD v4.1: 9 of 1,613,888 alleles (0.00056%); highest among the groups gnomAD compares: East Asian, 0.016%; no homozygotes.

Submissions (2):

CeGaT Center for Human Genetics Tuebingen
Classification: Pathogenic. Last evaluated: 2026-06-01. Review status: criteria provided, single submitter. Criteria: CeGaT Center For Human Genetics Tuebingen Variant Classification Criteria Version 2. Collection method: clinical testing. Allele origin: germline. Affected: yes. Observed: 1 variant allele.
Comment: NDUFS1: PVS1, PM2

Juno Genomics, Hangzhou Juno Genomics, Inc
Classification: Likely pathogenic for Mitochondrial complex I deficiency, nuclear type 5. Review status: criteria provided, single submitter. Criteria: ACMG Guidelines, 2015. Collection method: clinical testing. Allele origin: germline.
Comment: Absent from controls (or at extremely low frequency if recessive) in Genome Aggregation Database.;Null variant in a gene where loss of function (LOF) is a known mechanism of disease.

NM_005006.7(NDUFS1):c.988-2A>G

Gene: NDUFS1 (NADH:ubiquinone oxidoreductase core subunit S1; minus strand). Cytogenetic location: 2q33.3.
Variant type: single nucleotide variant.
Coding change: c.988-2A>G on transcript NM_005006.7 (MANE Select); the canonical splice acceptor site of the intron before coding-DNA position 988, A replaced by G.
Molecular consequence: splice acceptor variant.
Genome position (GRCh38, 1-based): chr2:206,142,833, T>C on the plus strand (A>G on the coding strand, the complement: NDUFS1 is on the minus strand). VCF-style: chr2-206142833-T-C. GRCh37 (hg19) VCF-style: chr2-207007557-T-C.
Other names: c.655-2A>G (NM_001199982.2); c.817-2A>G (NM_001199983.2); c.880-2A>G (NM_001199981.2); c.1030-2A>G (NM_001199984.2).
Identifiers: ClinVar variation 4874441 (VCV004874441.3).